The following is an entry in ClinVar:

ClinVar aggregate classification (germline): Conflicting classifications of pathogenicity. Review status: criteria provided, conflicting classifications (1 of 4 stars). 4 submissions from 4 submitters: Uncertain significance (3); Likely benign (1). Last evaluated 2026-01-18.

Conditions:
Retinal dystrophy. Also called: Inherited retinal dystrophy. Identifiers: Orphanet 71862, MedGen C0854723, MeSH D058499, MONDO:0019118, HP:0000556.
Retinitis pigmentosa 1 (RP1). Identifiers: Orphanet 791, MedGen C0220701, MONDO:0008377, OMIM 180100.

Allele frequency attached by ClinVar (database versions not stated): TOPMed 0.00001; ExAC 0.00002; gnomAD 0.00004; gnomAD exomes 0.00004.
gnomAD v4.1: 69 of 1,613,804 alleles (0.0043%); highest among the groups gnomAD compares: East Asian, 0.15%; no homozygotes.

Submissions (4):

Labcorp Genetics (formerly Invitae), Labcorp
Classification: Uncertain significance. Last evaluated: 2026-01-18. Review status: criteria provided, single submitter. Criteria: Invitae Variant Classification Sherloc (09022015). Collection method: clinical testing. Allele origin: germline.
Comment: This sequence change replaces leucine, which is neutral and non-polar, with valine, which is neutral and non-polar, at codon 1417 of the RP1 protein (p.Leu1417Val). This variant is present in population databases (rs766709333, gnomAD 0.02%). This variant has not been reported in the literature in individuals affected with RP1-related conditions. ClinVar contains an entry for this variant (Variation ID: 3012535). An algorithm developed to predict the effect of missense changes on protein structure and function outputs the following: PolyPhen-2: "Benign". The valine amino acid residue is found in multiple mammalian species, which suggests that this missense change does not adversely affect protein function. In summary, the available evidence is currently insufficient to determine the role of this variant in disease. Therefore, it has been classified as a Variant of Uncertain Significance.

Dept Of Ophthalmology, Nagoya University
Classification: Likely benign for Retinal dystrophy. Last evaluated: 2023-10-01. Review status: criteria provided, single submitter. Criteria: Submitter's publication. Collection method: research. Allele origin: germline. Affected: yes.

Blueprint Genetics
Classification: Uncertain significance. Last evaluated: 2022-01-27. Review status: criteria provided, single submitter. Criteria: ACMG Guidelines, 2015. Collection method: clinical testing. Allele origin: germline.

Department of Pathology and Laboratory Medicine, Sinai Health System
Classification: Uncertain significance for Retinitis pigmentosa 1. Last evaluated: 2021-07-30. Review status: criteria provided, single submitter. Criteria: ACMG Guidelines, 2015. Collection method: research. Allele origin: germline.

NM_006269.2(RP1):c.4249C>G (p.Leu1417Val)

Gene: RP1 (RP1 axonemal microtubule associated; plus strand). Cytogenetic location: 8q12.1.
Variant type: single nucleotide variant.
Coding change: c.4249C>G on transcript NM_006269.2 (MANE Select); coding-DNA position 4249, C replaced by G.
Protein change: p.Leu1417Val; replaces leucine 1417 with valine.
Molecular consequence: missense variant. On other transcripts: intron variant (1).
Genome position (GRCh38, 1-based): chr8:54,628,131, C>G. VCF-style: chr8-54628131-C-G. GRCh37 (hg19) VCF-style: chr8-55540691-C-G.
Other names: c.787+5843C>G (NM_001375654.1); short protein forms L1417V.
Identifiers: ClinVar variation 3012535 (VCV003012535.6), dbSNP rs766709333, ClinGen allele CA4751828.
Genomic context (GRCh38, chr8:54,628,131, plus strand): 5'-AGCTCCTGTGGCCTTTGCCTAAGTGAAAAAGAAGCAGAACTTGATAAGAAACATAGTTCT[C>G]TAGATGATTTTGAAAATTGTTCACTAAGGAAGTTTCAGGATGAAAATGCATATACTTCCT-3'
Protein context (NP_006260.1, residues 1407-1427): EAELDKKHSS[Leu1417Val]DDFENCSLRK